The following is an entry in ClinVar:

NM_182641.4(BPTF):c.106A>G (p.Ile36Val)

Gene: BPTF (bromodomain PHD finger transcription factor; plus strand). Cytogenetic location: 17q24.2.
Variant type: single nucleotide variant.
Coding change: c.106A>G on transcript NM_182641.4 (MANE Select); coding-DNA position 106, A replaced by G.
Protein change: p.Ile36Val; replaces isoleucine 36 with valine.
Molecular consequence: missense variant.
Genome position (GRCh38, 1-based): chr17:67,825,830, A>G. VCF-style: chr17-67825830-A-G. GRCh37 (hg19) VCF-style: chr17-65821946-A-G.
Other names: c.106A>G, p.Ile36Val (NM_004459.7); short protein forms I36V.
Identifiers: ClinVar variation 2003677 (VCV002003677.4), dbSNP rs2509371884, ClinGen allele CA400715175.

ClinVar aggregate classification (germline): Uncertain significance (1 of 4 stars; one submission).

Allele frequency attached by ClinVar (database versions not stated): gnomAD exomes below 0.00001.
gnomAD v4.1: 2 of 1,018,498 alleles (0.0002%); highest among the groups gnomAD compares: Non-Finnish European, 0.00023%; no homozygotes.

Submission:

Labcorp Genetics (formerly Invitae), Labcorp
Classification: Uncertain significance. Last evaluated: 2023-10-09. Review status: criteria provided, single submitter. Criteria: Invitae Variant Classification Sherloc (09022015). Collection method: clinical testing. Allele origin: germline.
Comment: This sequence change replaces isoleucine, which is neutral and non-polar, with valine, which is neutral and non-polar, at codon 36 of the BPTF protein (p.Ile36Val). This variant is not present in population databases (gnomAD no frequency). This variant has not been reported in the literature in individuals affected with BPTF-related conditions. ClinVar contains an entry for this variant (Variation ID: 2003677). Experimental studies and prediction algorithms are not available or were not evaluated, and the functional significance of this variant is currently unknown. In summary, the available evidence is currently insufficient to determine the role of this variant in disease. Therefore, it has been classified as a Variant of Uncertain Significance.